The following is an entry in ClinVar:

ClinVar aggregate classification (germline): Uncertain significance. Review status: criteria provided, multiple submitters, no conflicts (2 of 4 stars). 5 submissions from 5 submitters: Uncertain significance (4). 1 of the submissions does not count toward it. Last evaluated 2025-09-28.

Conditions:
Inborn genetic diseases. Identifiers: MedGen C0950123, MeSH D030342.
Cerebral creatine deficiency syndrome. Also called: Creatine deficiency syndromes. Identifiers: Orphanet 79172, MedGen C5244016, MONDO:0000456.
Deficiency of guanidinoacetate methyltransferase (CCDS2). Also called: GAMT DEFICIENCY; Guanidinoacetate Methyltransferase (GAMT) Deficiency; CEREBRAL CREATINE DEFICIENCY SYNDROME 2. Identifiers: Orphanet 382, MedGen C0574080, MONDO:0012999, OMIM 612736.

Allele frequency attached by ClinVar (database versions not stated): gnomAD exomes 0.00002 and 0.00004; gnomAD 0.00003 and 0.00002; 1000 Genomes Project 30x 0.00031; 1000 Genomes Project 0.00040; TOPMed 0.00004; ExAC 0.00006.
gnomAD v4.1: 32 of 1,612,992 alleles (0.002%); highest among the groups gnomAD compares: Admixed American, 0.012%; no homozygotes.

Submissions (5):

Ambry Genetics
Classification: Uncertain significance for Inborn genetic diseases. Last evaluated: 2025-09-28. Review status: criteria provided, single submitter. Criteria: Ambry Variant Classification Scheme 2023. Collection method: clinical testing. Allele origin: germline.

Labcorp Genetics (formerly Invitae), Labcorp
Classification: Uncertain significance for Cerebral creatine deficiency syndrome. Last evaluated: 2021-12-31. Review status: criteria provided, single submitter. Criteria: Invitae Variant Classification Sherloc (09022015). Collection method: clinical testing. Allele origin: germline.
Comment: This sequence change replaces glycine, which is neutral and non-polar, with serine, which is neutral and polar, at codon 127 of the GAMT protein (p.Gly127Ser). This variant is present in population databases (rs570476209, gnomAD 0.02%). This variant has not been reported in the literature in individuals affected with GAMT-related conditions. ClinVar contains an entry for this variant (Variation ID: 205567). Algorithms developed to predict the effect of missense changes on protein structure and function output the following: SIFT: "Deleterious"; PolyPhen-2: "Benign"; Align-GVGD: "Class C0". The serine amino acid residue is found in multiple mammalian species, which suggests that this missense change does not adversely affect protein function. Algorithms developed to predict the effect of sequence changes on RNA splicing suggest that this variant may create or strengthen a splice site. In summary, the available evidence is currently insufficient to determine the role of this variant in disease. Therefore, it has been classified as a Variant of Uncertain Significance.

GeneDx
Classification: Uncertain significance. Last evaluated: 2019-06-03. Review status: criteria provided, single submitter. Criteria: GeneDx Variant Classification Process June 2021. Collection method: clinical testing. Allele origin: germline. Affected: yes.
Comment: In silico analysis, which includes protein predictors and evolutionary conservation, supports a deleterious effect; Has not been previously published as pathogenic or benign to our knowledge

Genetic Services Laboratory, University of Chicago
Classification: Uncertain significance. Last evaluated: 2015-06-22. Review status: criteria provided, single submitter. Criteria: ACMG Guidelines, 2015. Collection method: clinical testing. Allele origin: germline.

Natera, Inc.
Classification: Likely benign for Guanidinoacetate methyltransferase deficiency. Last evaluated: 2020-09-16. Review status: no assertion criteria provided. Collection method: clinical testing. Allele origin: germline. Not counted in ClinVar's aggregate classification.

NM_000156.6(GAMT):c.379G>A (p.Gly127Ser)

Gene: GAMT (guanidinoacetate N-methyltransferase; minus strand). Cytogenetic location: 19p13.3.
Variant type: single nucleotide variant.
Coding change: c.379G>A on transcript NM_000156.6 (MANE Select); coding-DNA position 379, G replaced by A.
Protein change: p.Gly127Ser; replaces glycine 127 with serine.
Molecular consequence: missense variant.
Genome position (GRCh38, 1-based): chr19:1,399,536, C>T on the plus strand (G>A on the coding strand, the complement: GAMT is on the minus strand). VCF-style: chr19-1399536-C-T. GRCh37 (hg19) VCF-style: chr19-1399535-C-T.
Other names: p.G127S:GGT>AGT; c.379G>A, p.Gly127Ser (NM_138924.3); short protein forms G127S.
Identifiers: ClinVar variation 205567 (VCV000205567.15), dbSNP rs570476209, ClinGen allele CA314782.